The following is an entry in ClinVar:

NM_000245.4(MET):c.1204C>A (p.Leu402Ile)

Gene: MET (MET proto-oncogene, receptor tyrosine kinase; plus strand). Cytogenetic location: 7q31.2.
Variant type: single nucleotide variant.
Coding change: c.1204C>A on transcript NM_000245.4 (MANE Select); coding-DNA position 1204, C replaced by A.
Protein change: p.Leu402Ile; replaces leucine 402 with isoleucine.
Molecular consequence: missense variant. On other transcripts: 5 prime UTR variant (1).
Genome position (GRCh38, 1-based): chr7:116,731,671, C>A. VCF-style: chr7-116731671-C-A. GRCh37 (hg19) VCF-style: chr7-116371725-C-A.
Other names: c.1204C>A (NM_001127500.2); c.1204C>A, p.Leu402Ile (NM_001127500.3, NM_001324401.3); c.-87C>A (NM_001324402.2); short protein forms L402I.
Identifiers: ClinVar variation 837084 (VCV000837084.13), dbSNP rs45441497, ClinGen allele CA164865655.

ClinVar aggregate classification (germline): Conflicting classifications of pathogenicity. Review status: criteria provided, conflicting classifications (1 of 4 stars). 4 submissions from 4 submitters: Uncertain significance (2); Likely benign (1). 1 of the submissions does not count toward it. Last evaluated 2025-10-01.

Conditions:
MET-related disorder. Also called: MET-related condition.
Renal cell carcinoma. Identifiers: Orphanet 217071, MedGen C0007134, MeSH D002292, MONDO:0005086, HP:0005584.
Hereditary cancer-predisposing syndrome. Also called: Hereditary neoplastic syndrome; Neoplastic Syndromes, Hereditary; Tumor predisposition; Hereditary Cancer Syndrome. Identifiers: Orphanet 140162, MedGen C0027672, MeSH D009386, MONDO:0015356.

Allele frequency attached by ClinVar (database versions not stated): gnomAD exomes below 0.00001.
gnomAD v4.1: 2 of 1,614,092 alleles (0.00012%); highest among the groups gnomAD compares: Non-Finnish European, 0.000085%; no homozygotes.

Submissions (4):

Quest Diagnostics Nichols Institute San Juan Capistrano
Classification: Uncertain significance. Last evaluated: 2025-10-01. Review status: criteria provided, single submitter. Criteria: Quest Diagnostics criteria. Collection method: clinical testing. Allele origin: unknown.

Labcorp Genetics (formerly Invitae), Labcorp
Classification: Uncertain significance for Renal cell carcinoma. Last evaluated: 2024-10-15. Review status: criteria provided, single submitter. Criteria: Invitae Variant Classification Sherloc (09022015). Collection method: clinical testing. Allele origin: germline.
Comment: This sequence change replaces leucine, which is neutral and non-polar, with isoleucine, which is neutral and non-polar, at codon 402 of the MET protein (p.Leu402Ile). This variant is present in population databases (rs45441497, gnomAD 0.0009%). This variant has not been reported in the literature in individuals affected with MET-related conditions. ClinVar contains an entry for this variant (Variation ID: 837084). Invitae Evidence Modeling of protein sequence and biophysical properties (such as structural, functional, and spatial information, amino acid conservation, physicochemical variation, residue mobility, and thermodynamic stability) indicates that this missense variant is not expected to disrupt MET protein function with a negative predictive value of 80%. In summary, the available evidence is currently insufficient to determine the role of this variant in disease. Therefore, it has been classified as a Variant of Uncertain Significance.

Ambry Genetics
Classification: Likely benign for Hereditary cancer-predisposing syndrome. Last evaluated: 2023-11-21. Review status: criteria provided, single submitter. Criteria: Ambry Variant Classification Scheme 2023. Collection method: clinical testing. Allele origin: germline.

PreventionGenetics, part of Exact Sciences
Classification: Uncertain significance for MET-related condition. Last evaluated: 2024-06-01. Review status: no assertion criteria provided. Collection method: clinical testing. Allele origin: germline. Not counted in ClinVar's aggregate classification.
Comment: The MET c.1204C>A variant is predicted to result in the amino acid substitution p.Leu402Ile. To our knowledge, this variant has not been reported in the literature. This variant is reported in 0.00088% of alleles in individuals of European (Non-Finnish) descent in gnomAD and is interpreted as uncertain in ClinVar. This variant could be benign. At this time, the clinical significance of this variant is uncertain due to the absence of conclusive functional and genetic evidence.